The following is an entry in ClinVar:

NM_000310.4(PPT1):c.914T>G (p.Leu305Arg)

Gene: PPT1 (palmitoyl-protein thioesterase 1; minus strand). Cytogenetic location: 1p34.2.
Variant type: single nucleotide variant.
Coding change: c.914T>G on transcript NM_000310.4 (MANE Select); coding-DNA position 914, T replaced by G.
Protein change: p.Leu305Arg; replaces leucine 305 with arginine.
Molecular consequence: missense variant.
Genome position (GRCh38, 1-based): chr1:40,074,068, A>C on the plus strand (T>G on the coding strand, the complement: PPT1 is on the minus strand). VCF-style: chr1-40074068-A-C. GRCh37 (hg19) VCF-style: chr1-40539740-A-C.
Other names: c.605T>G, p.Leu202Arg (NM_001142604.2); c.842T>G, p.Leu281Arg (NM_001363695.2); short protein forms L305R, L202R, L281R.
Identifiers: ClinVar variation 533949 (VCV000533949.10), dbSNP rs386833671, ClinGen allele CA339845300.

ClinVar aggregate classification (germline): Uncertain significance (1 of 4 stars; one submission).

Conditions:
Neuronal ceroid lipofuscinosis 1 (CLN1). Also called: CEROID LIPOFUSCINOSIS, NEURONAL, 1, VARIABLE AGE AT ONSET; PPT1-Related Neuronal Ceroid-Lipofuscinosis. Identifiers: Orphanet 228329, MedGen C1850451, MONDO:0009744, OMIM 256730.

Allele frequency attached by ClinVar (database versions not stated): TOPMed below 0.00001.

Submission:

Labcorp Genetics (formerly Invitae), Labcorp
Classification: Uncertain significance for Neuronal ceroid lipofuscinosis 1. Last evaluated: 2022-08-09. Review status: criteria provided, single submitter. Criteria: Invitae Variant Classification Sherloc (09022015). Collection method: clinical testing. Allele origin: germline.
Comment: This sequence change replaces leucine, which is neutral and non-polar, with arginine, which is basic and polar, at codon 305 of the PPT1 protein (p.Leu305Arg). In summary, the available evidence is currently insufficient to determine the role of this variant in disease. Therefore, it has been classified as a Variant of Uncertain Significance. Advanced modeling of protein sequence and biophysical properties (such as structural, functional, and spatial information, amino acid conservation, physicochemical variation, residue mobility, and thermodynamic stability) performed at Invitae indicates that this missense variant is expected to disrupt PPT1 protein function. ClinVar contains an entry for this variant (Variation ID: 533949). This variant has not been reported in the literature in individuals affected with PPT1-related conditions. This variant is not present in population databases (gnomAD no frequency).